The following is an entry in ClinVar:

ClinVar aggregate classification (germline): Uncertain significance (1 of 4 stars; one submission).

Conditions:
Hereditary cancer-predisposing syndrome. Also called: Hereditary Cancer Syndrome; Neoplastic Syndromes, Hereditary; Tumor predisposition; Hereditary neoplastic syndrome. Identifiers: Orphanet 140162, MedGen C0027672, MeSH D009386, MONDO:0015356.

Submission:

Ambry Genetics
Classification: Uncertain significance for Hereditary cancer-predisposing syndrome. Last evaluated: 2026-09-01. Review status: criteria provided, single submitter. Criteria: Ambry Variant Classification Scheme 2023. Collection method: clinical testing. Allele origin: germline.
Comment: The p.G1079S variant (also known as c.3235G>A), located in coding exon 19 of the DICER1 gene, results from a G to A substitution at nucleotide position 3235. The glycine at codon 1079 is replaced by serine, an amino acid with similar properties. This amino acid position is highly conserved in available vertebrate species. In addition, the in silico prediction for this alteration is inconclusive. Based on the available evidence, the clinical significance of this variant remains unclear.

NM_177438.3(DICER1):c.3235G>A (p.Gly1079Ser)

Gene: DICER1 (dicer 1, ribonuclease III; minus strand). Cytogenetic location: 14q32.13.
Variant type: single nucleotide variant.
Coding change: c.3235G>A on transcript NM_177438.3 (MANE Select); coding-DNA position 3235, G replaced by A.
Protein change: p.Gly1079Ser; replaces glycine 1079 with serine.
Molecular consequence: missense variant. On other transcripts: non-coding transcript variant (6).
Genome position (GRCh38, 1-based): chr14:95,105,105, C>T on the plus strand (G>A on the coding strand, the complement: DICER1 is on the minus strand). VCF-style: chr14-95105105-C-T. GRCh37 (hg19) VCF-style: chr14-95571442-C-T.
Other names: c.3235G>A, p.Gly1079Ser (NM_001395677.1, NM_001395678.1, NM_001395679.1 and 12 more transcripts); c.2953G>A, p.Gly985Ser (NM_001395686.1); c.2830G>A, p.Gly944Ser (NM_001395687.1, NM_001395688.1, NM_001395689.1 and 2 more transcripts); c.2668G>A, p.Gly890Ser (NM_001395691.1); c.1552G>A, p.Gly518Ser (NM_001395697.1); short protein forms G1079S, G890S, G944S, G518S, G985S.
Identifiers: ClinVar variation 5035332 (VCV005035332.1).